The following is an entry in ClinVar:

NM_001621.5(AHR):c.698G>A (p.Gly233Asp)

Gene: AHR (aryl hydrocarbon receptor; plus strand). Cytogenetic location: 7p21.1.
Variant type: single nucleotide variant.
Coding change: c.698G>A on transcript NM_001621.5 (MANE Select); coding-DNA position 698, G replaced by A.
Protein change: p.Gly233Asp; replaces glycine 233 with aspartic acid.
Molecular consequence: missense variant.
Genome position (GRCh38, 1-based): chr7:17,330,879, G>A. VCF-style: chr7-17330879-G-A. GRCh37 (hg19) VCF-style: chr7-17370503-G-A.
Other names: short protein forms G233D.
Identifiers: ClinVar variation 3004295 (VCV003004295.3), dbSNP rs1435069179, ClinGen allele CA366891892.
Genomic context (GRCh38, chr7:17,330,879, plus strand): 5'-CTCCTTTAATGGAGAGGTGCTTCATATGTCGTCTAAGGTGTCTGCTGGATAATTCATCTG[G>A]TTTTCTGGTAAGGTACAAAATTTTATGATACTGGCTTTTACTATTGTTACAATAAAAGCT-3'
Protein context (NP_001612.1, residues 223-243): RLRCLLDNSS[Gly233Asp]FLAMNFQGKL

ClinVar aggregate classification (germline): Uncertain significance (1 of 4 stars; one submission).

Allele frequency attached by ClinVar (database versions not stated): gnomAD exomes 0.00001.
gnomAD v4.1: 12 of 1,611,342 alleles (0.00074%); highest among the groups gnomAD compares: Non-Finnish European, 0.001%; no homozygotes.

Submission:

Labcorp Genetics (formerly Invitae), Labcorp
Classification: Uncertain significance. Last evaluated: 2023-12-19. Review status: criteria provided, single submitter. Criteria: Invitae Variant Classification Sherloc (09022015). Collection method: clinical testing. Allele origin: germline.
Comment: This sequence change replaces glycine, which is neutral and non-polar, with aspartic acid, which is acidic and polar, at codon 233 of the AHR protein (p.Gly233Asp). This variant is present in population databases (no rsID available, gnomAD 0.0009%). This variant has not been reported in the literature in individuals affected with AHR-related conditions. An algorithm developed to predict the effect of missense changes on protein structure and function (PolyPhen-2) suggests that this variant is likely to be disruptive. In summary, the available evidence is currently insufficient to determine the role of this variant in disease. Therefore, it has been classified as a Variant of Uncertain Significance.